The following is an entry in ClinVar:

ClinVar aggregate classification (germline): Uncertain significance (1 of 4 stars; one submission).

gnomAD v4.1: 1 of 1,611,794 alleles (0.000062%); highest among the groups gnomAD compares: Non-Finnish European, 0.000085%; no homozygotes.

Submission:

GeneDx
Classification: Uncertain significance. Last evaluated: 2019-07-25. Review status: criteria provided, single submitter. Criteria: GeneDx Variant Classification Process June 2021. Collection method: clinical testing. Allele origin: germline. Affected: yes.
Comment: Not observed in large population cohorts (Lek et al., 2016); In silico analysis, which includes protein predictors and evolutionary conservation, supports that this variant does not alter protein structure/function; Has not been previously published as pathogenic or benign to our knowledge

NM_001034850.3(RETREG1):c.804A>T (p.Arg268Ser)

Gene: RETREG1 (reticulophagy regulator 1; minus strand). Cytogenetic location: 5p15.1.
Variant type: single nucleotide variant.
Coding change: c.804A>T on transcript NM_001034850.3 (MANE Select); coding-DNA position 804, A replaced by T.
Protein change: p.Arg268Ser; replaces arginine 268 with serine.
Molecular consequence: missense variant.
Genome position (GRCh38, 1-based): chr5:16,478,854, T>A on the plus strand (A>T on the coding strand, the complement: RETREG1 is on the minus strand). VCF-style: chr5-16478854-T-A. GRCh37 (hg19) VCF-style: chr5-16478963-T-A.
Other names: c.381A>T, p.Arg127Ser (NM_019000.5); short protein forms R127S, R268S.
Identifiers: ClinVar variation 1307335 (VCV001307335.2), dbSNP rs761925091, ClinGen allele CA359258369.